The following is an entry in ClinVar:

NM_000121.4(EPOR):c.251+7C>A

Gene: EPOR (erythropoietin receptor; minus strand). Cytogenetic location: 19p13.2.
Variant type: single nucleotide variant.
Coding change: c.251+7C>A on transcript NM_000121.4 (MANE Select); 7 bases into the intron after coding-DNA position 251, C replaced by A.
Molecular consequence: intron variant. On other transcripts: non-coding transcript variant (1).
Genome position (GRCh38, 1-based): chr19:11,383,090, G>T on the plus strand (C>A on the coding strand, the complement: EPOR is on the minus strand). VCF-style: chr19-11383090-G-T. GRCh37 (hg19) VCF-style: chr19-11493766-G-T.
Identifiers: ClinVar variation 891979 (VCV000891979.4), dbSNP rs199788179, ClinGen allele CA9210871.

ClinVar aggregate classification (germline): Benign (1 of 4 stars; one submission).

Conditions:
Primary familial polycythemia due to EPO receptor mutation. Also called: POLYCYTHEMIA, PRIMARY FAMILIAL AND CONGENITAL; ERYTHROCYTOSIS, SOMATIC; Erythrocytosis, familial, 1; Primary Familial Congenital Polycythemia. Identifiers: Orphanet 90042, MedGen C4551637, MONDO:0007572, OMIM 133100.

Allele frequency attached by ClinVar (database versions not stated): 1000 Genomes Project 0.00080; gnomAD 0.00001 and 0.00004; ExAC 0.00008; gnomAD exomes 0.00008; TOPMed 0.00013; 1000 Genomes Project 30x 0.00078.
gnomAD v4.1: 56 of 1,613,560 alleles (0.0035%); highest among the groups gnomAD compares: East Asian, 0.12%; no homozygotes.

Submission:

Illumina Laboratory Services, Illumina
Classification: Benign for Primary familial polycythemia due to EPO receptor mutation. Last evaluated: 2018-01-12. Review status: criteria provided, single submitter. Criteria: ICSL Variant Classification Criteria 13 December 2019. Collection method: clinical testing. Allele origin: germline.
Comment: This variant was observed in the ICSL laboratory as part of a predisposition screen in an ostensibly healthy population. It had not been previously curated by ICSL or reported in the Human Gene Mutation Database (HGMD: prior to June 1st, 2018), and was therefore a candidate for classification through an automated scoring system. Utilizing variant allele frequency, disease prevalence and penetrance estimates, and inheritance mode, an automated score was calculated to assess if this variant is too frequent to cause the disease. Based on the score and internal cut-off values, a variant classified as benign is not then subjected to further curation. The score for this variant resulted in a classification of benign for this disease.